The following is an entry in ClinVar:

ClinVar aggregate classification (germline): Benign. Review status: criteria provided, multiple submitters, no conflicts (2 of 4 stars). 6 submissions from 6 submitters: Benign (6). Last evaluated 2026-02-04.

Conditions:
Primary ciliary dyskinesia. Also called: Ciliary dyskinesia. Identifiers: Orphanet 244, MedGen C0008780, MONDO:0016575, HP:0012265.

Allele frequency attached by ClinVar (database versions not stated): 1000 Genomes Project 30x 0.32745; 1000 Genomes Project 0.32867; gnomAD exomes 0.39224; TOPMed 0.39226; ExAC 0.39428; gnomAD 0.39954 and 0.40497; ESP Exome Variant Server 0.40835.
gnomAD v4.1: 680,439 of 1,592,200 alleles (43%); highest among the groups gnomAD compares: Non-Finnish European, 45%; 149,080 homozygotes.

Submissions (6):

Labcorp Genetics (formerly Invitae), Labcorp
Classification: Benign for Primary ciliary dyskinesia. Last evaluated: 2026-02-04. Review status: criteria provided, single submitter. Criteria: Invitae Variant Classification Sherloc (09022015). Collection method: clinical testing. Allele origin: germline.

Blueprint Genetics
Classification: Benign. Last evaluated: 2024-11-26. Review status: criteria provided, single submitter. Criteria: ACMG Guidelines, 2015. Collection method: clinical testing. Allele origin: germline.

Mayo Clinic Laboratories, Mayo Clinic
Classification: Benign. Last evaluated: 2022-04-26. Review status: criteria provided, single submitter. Criteria: ACMG Guidelines, 2015. Collection method: clinical testing. Allele origin: germline. Observed: 132 variant alleles.

GeneDx
Classification: Benign. Last evaluated: 2018-11-10. Review status: criteria provided, single submitter. Criteria: GeneDx Variant Classification Process June 2021. Collection method: clinical testing. Allele origin: germline. Affected: yes.

Laboratory for Molecular Medicine, Mass General Brigham Personalized Medicine
Classification: Benign. Last evaluated: 2016-03-28. Review status: criteria provided, single submitter. Criteria: LMM Criteria. Collection method: clinical testing. Allele origin: germline.
Comment: Variant identified in a genome or exome case(s) and assessed due to predicted null impact of the variant or pathogenic assertions in the literature or databases. Disclaimer: This variant has not undergone full assessment. The following are preliminary notes: Frequency

PreventionGenetics, part of Exact Sciences
Classification: Benign. Review status: criteria provided, single submitter. Criteria: ACMG Guidelines, 2015. Collection method: clinical testing. Allele origin: germline.

NM_001206927.2(DNAH8):c.13119A>G (p.Leu4373=)

Gene: DNAH8 (dynein axonemal heavy chain 8; plus strand). Cytogenetic location: 6p21.2.
Variant type: single nucleotide variant.
Coding change: c.13119A>G on transcript NM_001206927.2 (MANE Select); coding-DNA position 13119, A replaced by G.
Protein change: p.Leu4373=; no amino-acid change (leucine 4373 retained).
Molecular consequence: synonymous variant.
Genome position (GRCh38, 1-based): chr6:38,990,077, A>G. VCF-style: chr6-38990077-A-G. GRCh37 (hg19) VCF-style: chr6-38957853-A-G.
Other names: p.Leu4373=; c.12468A>G, p.Leu4156= (NM_001371.4).
Identifiers: ClinVar variation 257629 (VCV000257629.18), dbSNP rs3737094, ClinGen allele CA3791582.